The following is an entry in ClinVar:

NM_017951.5(SMPD4):c.1612C>T (p.Gln538Ter)

Gene: SMPD4 (sphingomyelin phosphodiesterase 4; minus strand). Cytogenetic location: 2q21.1.
Variant type: single nucleotide variant.
Coding change: c.1612C>T on transcript NM_017951.5 (MANE Select); coding-DNA position 1612, C replaced by T.
Protein change: p.Gln538Ter; replaces glutamine 538 with a stop codon.
Molecular consequence: nonsense. On other transcripts: non-coding transcript variant (2).
Genome position (GRCh38, 1-based): chr2:130,154,324, G>A on the plus strand (C>T on the coding strand, the complement: SMPD4 is on the minus strand). VCF-style: chr2-130154324-G-A. GRCh37 (hg19) VCF-style: chr2-130911897-G-A.
Other names: c.1423C>T, p.Gln475Ter (NM_001171083.2); c.1642C>T, p.Gln548Ter (NM_017751.4); short protein forms Q475*, Q538*, Q548*.
Identifiers: ClinVar variation 4293856 (VCV004293856.1).

ClinVar aggregate classification (germline): Likely pathogenic (1 of 4 stars; one submission).

Conditions:
Neurodevelopmental disorder with microcephaly, arthrogryposis, and structural brain anomalies. Identifiers: Orphanet 664923, MedGen C5231431, MONDO:0032838, OMIM 618622.

Submission:

3billion
Classification: Likely pathogenic for Neurodevelopmental disorder with microcephaly, arthrogryposis, and structural brain anomalies. Last evaluated: 2024-11-21. Review status: criteria provided, single submitter. Criteria: ACMG Guidelines, 2015. Collection method: clinical testing. Allele origin: germline. Affected: yes.
Comment: The variant is not observed in the gnomAD v4.1.0 dataset. Predicted Consequence/Location: Stop-gained (nonsense): predicted to result in a loss or disruption of normal protein function through nonsense-mediated decay (NMD) or protein truncation. Multiple pathogenic variants are reported downstream of the variant. Therefore, this variant is classified as Likely pathogenic according to the recommendation of ACMG/AMP guideline.